The following is an entry in ClinVar:

ClinVar aggregate classification (germline): Uncertain significance (1 of 4 stars; one submission).

Allele frequency attached by ClinVar (database versions not stated): gnomAD 0.00002; TOPMed 0.00003; ESP Exome Variant Server 0.00008.
gnomAD v4.1: 15 of 1,613,036 alleles (0.00093%); highest among the groups gnomAD compares: African/African-American, 0.0013%; no homozygotes.

Submission:

Labcorp Genetics (formerly Invitae), Labcorp
Classification: Uncertain significance. Last evaluated: 2024-12-16. Review status: criteria provided, single submitter. Criteria: Invitae Variant Classification Sherloc (09022015). Collection method: clinical testing. Allele origin: germline.
Comment: This sequence change replaces cysteine, which is neutral and slightly polar, with phenylalanine, which is neutral and non-polar, at codon 24 of the GABRB1 protein (p.Cys24Phe). This variant is present in population databases (rs372535761, gnomAD 0.0009%). This variant has not been reported in the literature in individuals affected with GABRB1-related conditions. ClinVar contains an entry for this variant (Variation ID: 3003657). Invitae Evidence Modeling of protein sequence and biophysical properties (such as structural, functional, and spatial information, amino acid conservation, physicochemical variation, residue mobility, and thermodynamic stability) indicates that this missense variant is not expected to disrupt GABRB1 protein function with a negative predictive value of 95%. In summary, the available evidence is currently insufficient to determine the role of this variant in disease. Therefore, it has been classified as a Variant of Uncertain Significance.

NM_000812.4(GABRB1):c.71G>T (p.Cys24Phe)

Gene: GABRB1 (gamma-aminobutyric acid type A receptor subunit beta1; plus strand). Cytogenetic location: 4p12.
Variant type: single nucleotide variant.
Coding change: c.71G>T on transcript NM_000812.4 (MANE Select); coding-DNA position 71, G replaced by T.
Protein change: p.Cys24Phe; replaces cysteine 24 with phenylalanine.
Molecular consequence: missense variant.
Genome position (GRCh38, 1-based): chr4:47,031,722, G>T. VCF-style: chr4-47031722-G-T. GRCh37 (hg19) VCF-style: chr4-47033739-G-T.
Other names: short protein forms C24F.
Identifiers: ClinVar variation 3003657 (VCV003003657.3), dbSNP rs372535761, ClinGen allele CA97228650.
Genomic context (GRCh38, chr4:47,031,722, plus strand): 5'-TACAAAATCGAGAGAGTCTGGGGCTTCTCTCTTTCCCTGTGATGATTACCATGGTCTGTT[G>T]TGCACACAGGTGAGCTGCTGTTGTTGAATCTCGCTCTCTCTCTCTCTCTCTCTTTTTTTC-3'
Protein context (NP_000803.2, residues 14-34): SFPVMITMVC[Cys24Phe]AHSTNEPSNM